The following is an entry in ClinVar:

ClinVar aggregate classification (germline): Likely benign. Review status: criteria provided, multiple submitters, no conflicts (2 of 4 stars). 2 submissions from 2 submitters: Likely benign (2). Last evaluated 2025-12-03.

Conditions:
Progressive sclerosing poliodystrophy (MTDPS4A). Also called: ALPERS PROGRESSIVE INFANTILE POLIODYSTROPHY; NEURONAL DEGENERATION OF CHILDHOOD WITH LIVER DISEASE, PROGRESSIVE; Alpers Syndrome; ALPERS DIFFUSE DEGENERATION OF CEREBRAL GRAY MATTER WITH HEPATIC CIRRHOSIS; Alpers-Huttenlocher Syndrome; Mitochondrial DNA depletion syndrome 4A (Alpers type). Identifiers: Orphanet 726, MedGen C0205710, MONDO:0008758, OMIM 203700.

gnomAD v4.1: 1 of 1,612,188 alleles (0.000062%); no homozygotes.

Submissions (2):

Mayo Clinic Laboratories, Mayo Clinic
Classification: Likely benign. Last evaluated: 2025-12-03. Review status: criteria provided, single submitter. Criteria: ACMG Guidelines, 2015. Collection method: clinical testing. Allele origin: germline. Observed: 1 variant allele.
Comment: BP4, BP7

Labcorp Genetics (formerly Invitae), Labcorp
Classification: Likely benign for Progressive sclerosing poliodystrophy. Last evaluated: 2023-07-14. Review status: criteria provided, single submitter. Criteria: Invitae Variant Classification Sherloc (09022015). Collection method: clinical testing. Allele origin: germline.

NM_002693.3(POLG):c.3482+7G>T

Gene: POLG (DNA polymerase gamma, catalytic subunit; minus strand). Cytogenetic location: 15q26.1.
Variant type: single nucleotide variant.
Coding change: c.3482+7G>T on transcript NM_002693.3 (MANE Select); 7 bases into the intron after coding-DNA position 3482, G replaced by T.
Molecular consequence: intron variant.
Genome position (GRCh38, 1-based): chr15:89,318,534, C>A on the plus strand (G>T on the coding strand, the complement: POLG is on the minus strand). VCF-style: chr15-89318534-C-A. GRCh37 (hg19) VCF-style: chr15-89861765-C-A.
Other names: p.?; c.3482+7G>T (NM_001126131.2, NM_002693.2).
Identifiers: ClinVar variation 2762516 (VCV002762516.4), dbSNP rs200309191, ClinGen allele CA2194541462.